The following is an entry in ClinVar:

ClinVar aggregate classification (germline): Likely benign. Review status: criteria provided, multiple submitters, no conflicts (2 of 4 stars). 3 submissions from 3 submitters: Likely benign (3). Last evaluated 2025-04-11.

Conditions:
MERTK-related disorder. Also called: MERTK-related condition.

Allele frequency attached by ClinVar (database versions not stated): TOPMed 0.00001; ExAC 0.00002; gnomAD 0.00002; gnomAD exomes 0.00002 and 0.00012.
gnomAD v4.1: 168 of 1,613,992 alleles (0.01%); highest among the groups gnomAD compares: Non-Finnish European, 0.014%; 1 homozygote.

Submissions (3):

PreventionGenetics, part of Exact Sciences
Classification: Likely benign for MERTK-related condition. Last evaluated: 2025-04-11. Review status: criteria provided, single submitter. Criteria: ACMG Guidelines, 2015. Collection method: clinical testing. Allele origin: germline.
Comment: This variant is classified as likely benign based on ACMG/AMP sequence variant interpretation guidelines (Richards et al. 2015 PMID: 25741868, with internal and published modifications).

Labcorp Genetics (formerly Invitae), Labcorp
Classification: Likely benign. Last evaluated: 2024-12-10. Review status: criteria provided, single submitter. Criteria: Invitae Variant Classification Sherloc (09022015). Collection method: clinical testing. Allele origin: germline.

Blueprint Genetics
Classification: Likely benign. Last evaluated: 2023-10-13. Review status: criteria provided, single submitter. Criteria: ACMG Guidelines, 2015. Collection method: clinical testing. Allele origin: germline.

NM_006343.3(MERTK):c.1389C>T (p.Ala463=)

Gene: MERTK (MER proto-oncogene, tyrosine kinase; plus strand). Cytogenetic location: 2q13.
Variant type: single nucleotide variant.
Coding change: c.1389C>T on transcript NM_006343.3 (MANE Select); coding-DNA position 1389, C replaced by T.
Protein change: p.Ala463=; no amino-acid change (alanine 463 retained).
Molecular consequence: synonymous variant.
Genome position (GRCh38, 1-based): chr2:111,994,343, C>T. VCF-style: chr2-111994343-C-T. GRCh37 (hg19) VCF-style: chr2-112751920-C-T.
Other names: c.1389C>T (NM_006343.2).
Identifiers: ClinVar variation 1583561 (VCV001583561.10), dbSNP rs764758778, ClinGen allele CA1831370.